The following is an entry in ClinVar:

NM_016151.4(TAOK2):c.3677G>A (p.Arg1226His)

Gene: TAOK2 (TAO kinase 2; plus strand). Cytogenetic location: 16p11.2.
Variant type: single nucleotide variant.
Coding change: c.3677G>A on transcript NM_016151.4 (MANE Select); coding-DNA position 3677, G replaced by A.
Protein change: p.Arg1226His; replaces arginine 1226 with histidine.
Molecular consequence: missense variant. On other transcripts: intron variant (1).
Genome position (GRCh38, 1-based): chr16:29,987,949, G>A. VCF-style: chr16-29987949-G-A. GRCh37 (hg19) VCF-style: chr16-29999270-G-A.
Other names: c.3338G>A, p.Arg1113His (NM_001252043.2); c.2232+1445G>A (NM_004783.4); short protein forms R1113H, R1226H.
Identifiers: ClinVar variation 710084 (VCV000710084.11), dbSNP rs199646401, ClinGen allele CA7998629.
Genomic context (GRCh38, chr16:29,987,949, plus strand): 5'-GGCCCCCTGCCTCCCGCCAGCCACTGCCAGGGACTCTAGCCGGGCGGAGGTCACGCACCC[G>A]CCAGTCCCGGGCCCTGCCCCCCTGGAGGTAGCTGACTCCAGCCCTTCCAGCCCAAATCTA-3'
Protein context (NP_057235.2, residues 1216-1235): GTLAGRRSRT[Arg1226His]QSRALPPWR

ClinVar aggregate classification (germline): Likely benign. Review status: criteria provided, single submitter (1 of 4 stars). 2 submissions from 2 submitters: Likely benign (1). 1 of the submissions does not count toward it. Last evaluated 2025-10-08.

Conditions:
TAOK2-related disorder. Also called: TAOK2-related condition.

Allele frequency attached by ClinVar (database versions not stated): 1000 Genomes Project 0.00100; TOPMed 0.00101; 1000 Genomes Project 30x 0.00125; ESP Exome Variant Server 0.00059; gnomAD 0.00085 and 0.00091.
gnomAD v4.1: 310 of 1,547,614 alleles (0.02%); highest among the groups gnomAD compares: African/African-American, 0.33%; 3 homozygotes.

Submissions (2):

Labcorp Genetics (formerly Invitae), Labcorp
Classification: Likely benign. Last evaluated: 2025-10-08. Review status: criteria provided, single submitter. Criteria: Invitae Variant Classification Sherloc (09022015). Collection method: clinical testing. Allele origin: germline.

PreventionGenetics, part of Exact Sciences
Classification: Likely benign for TAOK2-related condition. Last evaluated: 2022-02-28. Review status: no assertion criteria provided. Collection method: clinical testing. Allele origin: germline. Not counted in ClinVar's aggregate classification.
Comment: This variant is classified as likely benign based on ACMG/AMP sequence variant interpretation guidelines (Richards et al. 2015 PMID: 25741868, with internal and published modifications).